The following is an entry in ClinVar:

ClinVar aggregate classification (germline): Uncertain significance. Review status: criteria provided, multiple submitters, no conflicts (2 of 4 stars). 2 submissions from 2 submitters: Uncertain significance (2). Last evaluated 2022-09-16.

Conditions:
Cardiovascular phenotype. Identifiers: MedGen CN230736.

Allele frequency attached by ClinVar (database versions not stated): ExAC 0.00015; TOPMed 0.00001.
gnomAD v4.1: 33 of 1,614,206 alleles (0.002%); highest among the groups gnomAD compares: Non-Finnish European, 0.0028%; no homozygotes.

Submissions (2):

Ambry Genetics
Classification: Uncertain significance for Cardiovascular phenotype. Last evaluated: 2022-09-16. Review status: criteria provided, single submitter. Criteria: Ambry Variant Classification Scheme 2023. Collection method: clinical testing. Allele origin: germline.
Comment: The p.L543P variant (also known as c.1628T>C), located in coding exon 11 of the ABCG5 gene, results from a T to C substitution at nucleotide position 1628. The leucine at codon 543 is replaced by proline, an amino acid with similar properties. This amino acid position is conserved. In addition, this alteration is predicted to be deleterious by in silico analysis. Since supporting evidence is limited at this time, the clinical significance of this alteration remains unclear.

Blueprint Genetics
Classification: Uncertain significance. Last evaluated: 2021-01-18. Review status: criteria provided, single submitter. Criteria: ACMG Guidelines, 2015. Collection method: clinical testing. Allele origin: germline.

NM_022436.3(ABCG5):c.1628T>C (p.Leu543Pro)

Genes: ABCG5 (ATP binding cassette subfamily G member 5; minus strand), DYNC2LI1 (dynein cytoplasmic 2 light intermediate chain 1; plus strand). Cytogenetic location: 2p21.
Variant type: single nucleotide variant.
Coding change: c.1628T>C on transcript NM_022436.3 (MANE Select); coding-DNA position 1628, T replaced by C.
Protein change: p.Leu543Pro; replaces leucine 543 with proline.
Molecular consequence: missense variant. On other transcripts: intron variant (2).
Genome position (GRCh38, 1-based): chr2:43,819,936, A>G on the plus strand (T>C on the coding strand, the complement: ABCG5 is on the minus strand). VCF-style: chr2-43819936-A-G. GRCh37 (hg19) VCF-style: chr2-44047075-A-G.
Other names: c.*16-7450A>G (NM_001348913.2, NM_001348912.2); short protein forms L543P.
Identifiers: ClinVar variation 1776743 (VCV001776743.3), dbSNP rs199862542, ClinGen allele CA1636216.